The following is an entry in ClinVar:

NM_001365999.1(SZT2):c.5764C>T (p.Arg1922Trp)

Gene: SZT2 (SZT2 subunit of KICSTOR complex; plus strand). Cytogenetic location: 1p34.2.
Variant type: single nucleotide variant.
Coding change: c.5764C>T on transcript NM_001365999.1 (MANE Select); coding-DNA position 5764, C replaced by T.
Protein change: p.Arg1922Trp; replaces arginine 1922 with tryptophan.
Molecular consequence: missense variant.
Genome position (GRCh38, 1-based): chr1:43,433,150, C>T. VCF-style: chr1-43433150-C-T. GRCh37 (hg19) VCF-style: chr1-43898821-C-T.
Other names: c.5593C>T, p.Arg1865Trp (NM_015284.4); short protein forms R1922W, R1865W.
Identifiers: ClinVar variation 934827 (VCV000934827.11), dbSNP rs765644938, ClinGen allele CA809682.
Genomic context (GRCh38, chr1:43,433,150, plus strand): 5'-CCACAGCCTTCACTCTCAGGCCTCCCTGGGCCCTGCCTGCCTGACTTCTGGCTCATTGTC[C>T]GGGTCCTGCAGGACCGTGTGGAAGTGTATGCACATGCACGGTAAGTAGAAGCCAGGGCCT-3'
Protein context (NP_001352928.1, residues 1912-1932): PCLPDFWLIV[Arg1922Trp]VLQDRVEVYA

ClinVar aggregate classification (germline): Uncertain significance. Review status: criteria provided, multiple submitters, no conflicts (2 of 4 stars). 3 submissions from 3 submitters: Uncertain significance (3). Last evaluated 2023-08-11.

Conditions:
Developmental and epileptic encephalopathy, 18 (DEE18). Also called: Early infantile epileptic encephalopathy 18. Identifiers: Orphanet 369894, MedGen C3809624, MONDO:0014201, OMIM 615476.
Inborn genetic diseases. Identifiers: MedGen C0950123, MeSH D030342.

Allele frequency attached by ClinVar (database versions not stated): ExAC 0.00001; gnomAD exomes 0.00001 and 0.00002; TOPMed 0.00001; gnomAD 0.00002.
gnomAD v4.1: 28 of 1,613,952 alleles (0.0017%); highest among the groups gnomAD compares: Non-Finnish European, 0.0019%; no homozygotes.

Submissions (3):

Labcorp Genetics (formerly Invitae), Labcorp
Classification: Uncertain significance. Last evaluated: 2023-08-11. Review status: criteria provided, single submitter. Criteria: Invitae Variant Classification Sherloc (09022015). Collection method: clinical testing. Allele origin: germline.
Comment: This variant has not been reported in the literature in individuals affected with SZT2-related conditions. ClinVar contains an entry for this variant (Variation ID: 934827). Advanced modeling of protein sequence and biophysical properties (such as structural, functional, and spatial information, amino acid conservation, physicochemical variation, residue mobility, and thermodynamic stability) performed at Invitae indicates that this missense variant is expected to disrupt SZT2 protein function. In summary, the available evidence is currently insufficient to determine the role of this variant in disease. Therefore, it has been classified as a Variant of Uncertain Significance. This sequence change replaces arginine, which is basic and polar, with tryptophan, which is neutral and slightly polar, at codon 1865 of the SZT2 protein (p.Arg1865Trp). This variant is present in population databases (rs765644938, gnomAD 0.008%).

Genome-Nilou Lab
Classification: Uncertain significance for Developmental and epileptic encephalopathy, 18. Last evaluated: 2023-04-11. Review status: criteria provided, single submitter. Criteria: ACMG Guidelines, 2015. Collection method: clinical testing. Allele origin: germline. Affected: no.

Ambry Genetics
Classification: Uncertain significance for Inborn genetic diseases. Last evaluated: 2022-09-14. Review status: criteria provided, single submitter. Criteria: Ambry Variant Classification Scheme 2023. Collection method: clinical testing. Allele origin: germline.